The following is an entry in ClinVar:

NM_002485.5(NBN):c.1417C>G (p.Gln473Glu)

Gene: NBN (nibrin; minus strand). Cytogenetic location: 8q21.3.
Variant type: single nucleotide variant.
Coding change: c.1417C>G on transcript NM_002485.5 (MANE Select); coding-DNA position 1417, C replaced by G.
Protein change: p.Gln473Glu; replaces glutamine 473 with glutamic acid.
Molecular consequence: missense variant.
Genome position (GRCh38, 1-based): chr8:89,953,672, G>C on the plus strand (C>G on the coding strand, the complement: NBN is on the minus strand). VCF-style: chr8-89953672-G-C. GRCh37 (hg19) VCF-style: chr8-90965900-G-C.
Other names: c.1171C>G, p.Gln391Glu (NM_001024688.3); short protein forms Q473E, Q391E.
Identifiers: ClinVar variation 802419 (VCV000802419.25), dbSNP rs755805461, ClinGen allele CA371655897.

ClinVar aggregate classification (germline): Uncertain significance. Review status: criteria provided, multiple submitters, no conflicts (2 of 4 stars). 7 submissions from 7 submitters: Uncertain significance (6). 1 of the submissions does not count toward it. Last evaluated 2025-11-07.

Conditions:
Aplastic anemia. Identifiers: Orphanet 182040, Orphanet 88, MedGen C0002874, MONDO:0015909, OMIM 609135, HP:0001915.
Microcephaly, normal intelligence and immunodeficiency (NBS). Also called: SEEMANOVA SYNDROME II; Immunodeficiency, microcephaly with normal intelligence; BERLIN BREAKAGE SYNDROME; Ataxia telangiectasia variant V1; IMMUNODEFICIENCY, MICROCEPHALY, AND CHROMOSOMAL INSTABILITY; Nijmegen breakage syndrome. Identifiers: Orphanet 647, MedGen C0398791, MONDO:0009623, OMIM 251260.
Hereditary cancer-predisposing syndrome. Also called: Hereditary Cancer Syndrome; Neoplastic Syndromes, Hereditary; Tumor predisposition; Hereditary neoplastic syndrome. Identifiers: Orphanet 140162, MedGen C0027672, MeSH D009386, MONDO:0015356.

Allele frequency attached by ClinVar (database versions not stated): TOPMed below 0.00001.
gnomAD v4.1: 1 of 1,610,646 alleles (0.000062%); highest among the groups gnomAD compares: Admixed American, 0.0017%; no homozygotes.

Submissions (7):

Dasa
Classification: Uncertain significance. Last evaluated: 2025-11-07. Review status: criteria provided, single submitter. Criteria: DASA Assertion Criteria. Collection method: clinical testing. Allele origin: germline.
Comment: NM_002485.5(NBN):c.1417C>G (p.Gln473Glu) is a missense variant that results in the substitution of glutamine with glutamic acid. This variant is rare in population databases. Computational prediction algorithms are consistent with a benign effect. The currently available literature and clinical evidence are not sufficient to establish a definitive association between this variant and the reported condition. Therefore, this variant is classified as a variant of uncertain significance.

Labcorp Genetics (formerly Invitae), Labcorp
Classification: Uncertain significance for Microcephaly, normal intelligence and immunodeficiency. Last evaluated: 2024-05-20. Review status: criteria provided, single submitter. Criteria: Invitae Variant Classification Sherloc (09022015). Collection method: clinical testing. Allele origin: germline.
Comment: This sequence change replaces glutamine, which is neutral and polar, with glutamic acid, which is acidic and polar, at codon 473 of the NBN protein (p.Gln473Glu). This variant is not present in population databases (gnomAD no frequency). This variant has not been reported in the literature in individuals affected with NBN-related conditions. ClinVar contains an entry for this variant (Variation ID: 802419). Algorithms developed to predict the effect of missense changes on protein structure and function output the following: SIFT: "Not Available"; PolyPhen-2: "Benign"; Align-GVGD: "Not Available". The glutamic acid amino acid residue is found in multiple mammalian species, which suggests that this missense change does not adversely affect protein function. In summary, the available evidence is currently insufficient to determine the role of this variant in disease. Therefore, it has been classified as a Variant of Uncertain Significance.

Baylor Genetics
Classification: Uncertain significance for Aplastic anemia. Last evaluated: 2024-03-05. Review status: criteria provided, single submitter. Criteria: ACMG Guidelines, 2015. Collection method: clinical testing. Allele origin: unknown.

Genome-Nilou Lab
Classification: Uncertain significance for Microcephaly, normal intelligence and immunodeficiency. Last evaluated: 2021-11-07. Review status: criteria provided, single submitter. Criteria: ACMG Guidelines, 2015. Collection method: clinical testing. Allele origin: germline. Affected: no.

Ambry Genetics
Classification: Uncertain significance for Hereditary cancer-predisposing syndrome. Last evaluated: 2019-08-23. Review status: criteria provided, single submitter. Criteria: Ambry Variant Classification Scheme 2023. Collection method: clinical testing. Allele origin: germline.
Comment: The p.Q473E variant (also known as c.1417C>G), located in coding exon 11 of the NBN gene, results from a C to G substitution at nucleotide position 1417. The glutamine at codon 473 is replaced by glutamic acid, an amino acid with highly similar properties. This amino acid position is not well conserved in available vertebrate species. In addition, this alteration is predicted to be tolerated by in silico analysis. Since supporting evidence is limited at this time, the clinical significance of this alteration remains unclear.

Mendelics
Classification: Uncertain significance for Microcephaly, normal intelligence and immunodeficiency. Last evaluated: 2019-05-28. Review status: criteria provided, single submitter. Criteria: Mendelics Assertion Criteria 2017. Collection method: clinical testing. Allele origin: unknown.

Natera, Inc.
Classification: Uncertain significance for Nijmegen breakage syndrome. Last evaluated: 2020-09-16. Review status: no assertion criteria provided. Collection method: clinical testing. Allele origin: germline. Not counted in ClinVar's aggregate classification.